The following is an entry in ClinVar:

ClinVar aggregate classification (germline): Likely benign (1 of 4 stars; one submission).

Conditions:
Cystic fibrosis (CF). Also called: MUCOVISCIDOSIS. Identifiers: Orphanet 586, MedGen C0010674, MONDO:0009061, OMIM 219700. Disease mechanism: loss of function.

Submission:

Johns Hopkins Genomics, Johns Hopkins University
Classification: Likely benign for Cystic fibrosis. Last evaluated: 2024-08-28. Review status: criteria provided, single submitter. Criteria: ACMG Guidelines, 2015. Collection method: clinical testing. Allele origin: germline.
Comment: PM2, PP4, BP2, BP4, BP7

NM_000492.4(CFTR):c.54-8216C>T

Gene: CFTR (CF transmembrane conductance regulator; plus strand). Cytogenetic location: 7q31.2.
Variant type: single nucleotide variant.
Coding change: c.54-8216C>T on transcript NM_000492.4 (MANE Select); 8216 bases into the intron before coding-DNA position 54, C replaced by T.
Molecular consequence: intron variant.
Genome position (GRCh38, 1-based): chr7:117,496,037, C>T. VCF-style: chr7-117496037-C-T. GRCh37 (hg19) VCF-style: chr7-117136091-C-T.
Identifiers: ClinVar variation 4280037 (VCV004280037.1).